The following is an entry in ClinVar:

ClinVar aggregate classification (germline): Pathogenic/Likely pathogenic. Review status: criteria provided, multiple submitters, no conflicts (2 of 4 stars). 2 submissions from 2 submitters: Pathogenic (1); Likely pathogenic (1). Last evaluated 2025-06-16.

Conditions:
Spastic paraplegia. Identifiers: MedGen C0037772, HP:0001258.

Submissions (2):

GeneDx
Classification: Likely pathogenic. Last evaluated: 2025-06-16. Review status: criteria provided, single submitter. Criteria: GeneDx Variant Classification Process June 2021. Collection method: clinical testing. Allele origin: germline. Affected: yes.
Comment: Frameshift variant predicted to result in abnormal protein length as the last 168 amino acids are replaced with 38 different amino acids, and other similar variants have been reported in HGMD; Not observed at significant frequency in large population cohorts (gnomAD); Has not been previously published as pathogenic or benign to our knowledge

Labcorp Genetics (formerly Invitae), Labcorp
Classification: Pathogenic for Spastic paraplegia. Last evaluated: 2022-12-23. Review status: criteria provided, single submitter. Criteria: Invitae Variant Classification Sherloc (09022015). Collection method: clinical testing. Allele origin: germline.
Comment: This variant has not been reported in the literature in individuals affected with SACS-related conditions. This variant is not present in population databases (gnomAD no frequency). This sequence change creates a premature translational stop signal (p.Arg4412Serfs*39) in the SACS gene. While this is not anticipated to result in nonsense mediated decay, it is expected to disrupt the last 168 amino acid(s) of the SACS protein. This variant disrupts a region of the SACS protein in which other variant(s) (p.Asn4549Asp) have been determined to be pathogenic (PMID: 15156359, 21507954). This suggests that this is a clinically significant region of the protein, and that variants that disrupt it are likely to be disease-causing. For these reasons, this variant has been classified as Pathogenic.

Literature cited by the submitters: PubMed 15156359 (cited by Labcorp Genetics (formerly Invitae), Labcorp); PubMed 21507954 (cited by Labcorp Genetics (formerly Invitae), Labcorp).

NM_014363.6(SACS):c.13236_13239del (p.Arg4412fs)

Gene: SACS (sacsin molecular chaperone; minus strand). Cytogenetic location: 13q12.12.
Variant type: Deletion.
Coding change: c.13236_13239del on transcript NM_014363.6 (MANE Select); coding-DNA positions 13236 to 13239, 4 bases deleted (ACAG; older notation c.13236_13239delACAG).
Protein change: p.Arg4412fs; shifts the reading frame from arginine 4412.
Molecular consequence: frameshift variant.
Genome position (GRCh38, 1-based): chr13:23,330,637-23,330,640, CTGT deleted on the plus strand (ACAG on the coding strand, the reverse complement: SACS is on the minus strand); deleting any 4 consecutive bases within chr13:23,330,637-23,330,642 gives the same sequence; the c. name uses the placement nearest the transcript's 3' end. VCF-style (leftmost placement, unchanged base first): chr13-23330636-GCTGT-G. GRCh37 (hg19) VCF-style: chr13-23904775-GCTGT-G.
Other names: c.12795_12798del, p.Arg4265fs (NM_001278055.2); c.13236_13239del (NM_014363.4); short protein forms R4265fs, R4412fs.
Identifiers: ClinVar variation 2996797 (VCV002996797.4), dbSNP rs2542141517, ClinGen allele CA2740097639.